The following is an entry in ClinVar:

ClinVar aggregate classification (germline): Likely benign (1 of 4 stars; one submission).

gnomAD v4.1: 5 of 1,613,950 alleles (0.00031%); highest among the groups gnomAD compares: East Asian, 0.0089%; no homozygotes.

Submission:

CeGaT Center for Human Genetics Tuebingen
Classification: Likely benign. Last evaluated: 2025-01-01. Review status: criteria provided, single submitter. Criteria: CeGaT Center For Human Genetics Tuebingen Variant Classification Criteria Version 2. Collection method: clinical testing. Allele origin: germline. Affected: yes. Observed: 1 variant allele.
Comment: ZFHX4: BS2

NM_024721.5(ZFHX4):c.5176C>T (p.Pro1726Ser)

Gene: ZFHX4 (zinc finger homeobox 4; plus strand). Cytogenetic location: 8q21.13.
Variant type: single nucleotide variant.
Coding change: c.5176C>T on transcript NM_024721.5 (MANE Select); coding-DNA position 5176, C replaced by T.
Protein change: p.Pro1726Ser; replaces proline 1726 with serine.
Molecular consequence: missense variant.
Genome position (GRCh38, 1-based): chr8:76,852,097, C>T. VCF-style: chr8-76852097-C-T. GRCh37 (hg19) VCF-style: chr8-77764333-C-T.
Other names: c.5098C>T, p.Pro1700Ser (NM_001410934.1); short protein forms P1700S, P1726S.
Identifiers: ClinVar variation 3771434 (VCV003771434.13).